The following is an entry in ClinVar:

ClinVar aggregate classification (germline): Pathogenic (1 of 4 stars; one submission).

Conditions:
Coffin-Siris syndrome 1 (CSS1). Also called: Mental retardation, autosomal dominant 12; ARID1B-Related Coffin-Siris Syndrome. Identifiers: Orphanet 1465, MedGen C3281201, MONDO:0007617, OMIM 135900. Disease mechanism: gain of function.

Submission:

Broad Center for Mendelian Genomics, Broad Institute of MIT and Harvard
Classification: Pathogenic for Coffin-Siris syndrome 1. Last evaluated: 2026-03-05. Review status: criteria provided, single submitter. Criteria: ACMG Guidelines, 2015. Collection method: research. Allele origin: germline. Inheritance: Autosomal dominant inheritance. Study: GREGoR Consortium.
Comment: The p.Ala545ArgfsX39 variant in ARID1B has not been previously reported in the literature, but was confirmed de novo through trio whole genome sequencing in a child with features of Coffin-Siris syndrome: Neurodevelopmental delay, coarse facial features, intellectual disability, delayed bone age, speech delay, macrocephaly, short stature, and autism (Broad Institute Rare Genomes Project). It was absent from large population studies. This variant is predicted to cause a frameshift, which alters the protein's amino acid sequence beginning at position 545 and leads to a premature termination codon 39 amino acids downstream. This alteration is then predicted to lead to a truncated or absent protein. Loss of function of the ARID1B gene is an established disease mechanism in autosomal dominant Coffin-Siris syndrome. In summary, this variant meets criteria to be classified as pathogenic for autosomal dominant Coffin-Siris syndrome. ACMG/AMP Criteria applied: PVSl, PS2_Moderate, PM2_Supporting.

NM_001374828.1(ARID1B):c.1633_1636del (p.Ala545fs)

Gene: ARID1B (AT-rich interaction domain 1B; plus strand). Cytogenetic location: 6q25.3.
Variant type: Deletion.
Coding change: c.1633_1636del on transcript NM_001374828.1 (MANE Select); coding-DNA positions 1633 to 1636, 4 bases deleted (GCGG; older notation c.1633_1636delGCGG).
Protein change: p.Ala545fs; shifts the reading frame from alanine 545.
Molecular consequence: frameshift variant.
Genome position (GRCh38, 1-based): chr6:156,779,313-156,779,316, GCGG deleted; deleting any 4 consecutive bases within chr6:156,779,311-156,779,316 gives the same sequence; the c. name uses the placement nearest the transcript's 3' end. VCF-style (leftmost placement, unchanged base first): chr6-156779310-GGGGC-G. GRCh37 (hg19) VCF-style: chr6-157100444-GGGGC-G.
Other names: NM_017519.3:c.1633_1636del; c.1633_1636del, p.Ala545fs (NM_001371656.1, NM_001374820.1, NM_001438482.1 and 9 more transcripts); short protein forms A545fs.
Identifiers: ClinVar variation 4819574 (VCV004819574.1).